The following is an entry in ClinVar:

NM_001182.5(ALDH7A1):c.720C>T (p.Asp240=)

Gene: ALDH7A1 (aldehyde dehydrogenase 7 family member A1; minus strand). Cytogenetic location: 5q23.2.
Variant type: single nucleotide variant.
Coding change: c.720C>T on transcript NM_001182.5 (MANE Select); coding-DNA position 720, C replaced by T.
Protein change: p.Asp240=; no amino-acid change (aspartic acid 240 retained).
Molecular consequence: synonymous variant.
Genome position (GRCh38, 1-based): chr5:126,570,835, G>A on the plus strand (C>T on the coding strand, the complement: ALDH7A1 is on the minus strand). VCF-style: chr5-126570835-G-A. GRCh37 (hg19) VCF-style: chr5-125906527-G-A.
Other names: c.636C>T, p.Asp212= (NM_001201377.2); c.720C>T, p.Asp240= (NM_001202404.2).
Identifiers: ClinVar variation 1145683 (VCV001145683.17), dbSNP rs757704473, ClinGen allele CA3389670.

ClinVar aggregate classification (germline): Conflicting classifications of pathogenicity. Review status: criteria provided, conflicting classifications (1 of 4 stars). 5 submissions from 5 submitters: Uncertain significance (1); Likely benign (3). 1 of the submissions does not count toward it. Last evaluated 2025-06-23.

Conditions:
ALDH7A1-related disorder. Also called: ALDH7A1-related condition.
Pyridoxine-dependent epilepsy (EPEO4). Also called: PYRIDOXINE DEPENDENCY WITH SEIZURES; EPILEPSY, EARLY-ONSET, 4, VITAMIN B6-DEPENDENT; Pyridoxine-Dependent Seizures; Pyridoxine-Dependent Epilepsy - ALDH7A1. Identifiers: Orphanet 3006, MedGen C1849508, MONDO:0009945, OMIM 266100. Disease mechanism: loss of function.

Allele frequency attached by ClinVar (database versions not stated): gnomAD exomes 0.00003 and 0.00004; ExAC 0.00004; gnomAD 0.00004; TOPMed 0.00005.
gnomAD v4.1: 48 of 1,613,958 alleles (0.003%); highest among the groups gnomAD compares: South Asian, 0.012%; 1 homozygote.

Submissions (5):

Labcorp Genetics (formerly Invitae), Labcorp
Classification: Likely benign for Pyridoxine-dependent epilepsy. Last evaluated: 2025-06-23. Review status: criteria provided, single submitter. Criteria: Invitae Variant Classification Sherloc (09022015). Collection method: clinical testing. Allele origin: germline.

GeneDx
Classification: Likely benign. Last evaluated: 2021-04-26. Review status: criteria provided, single submitter. Criteria: GeneDx Variant Classification Process June 2021. Collection method: clinical testing. Allele origin: germline. Affected: yes.

Blueprint Genetics
Classification: Likely benign. Last evaluated: 2021-01-07. Review status: criteria provided, single submitter. Criteria: ACMG Guidelines, 2015. Collection method: clinical testing. Allele origin: germline.

Revvity Omics, Revvity
Classification: Uncertain significance for Pyridoxine-dependent epilepsy. Last evaluated: 2019-05-22. Review status: criteria provided, single submitter. Criteria: ACMG Guidelines, 2015. Collection method: clinical testing. Allele origin: germline.

PreventionGenetics, part of Exact Sciences
Classification: Likely benign for ALDH7A1-related condition. Last evaluated: 2019-02-24. Review status: no assertion criteria provided. Collection method: clinical testing. Allele origin: germline. Not counted in ClinVar's aggregate classification.
Comment: This variant is classified as likely benign based on ACMG/AMP sequence variant interpretation guidelines (Richards et al. 2015 PMID: 25741868, with internal and published modifications).